The following is an entry in ClinVar:

ClinVar aggregate classification (germline): Likely benign (1 of 4 stars; one submission).

Conditions:
UROD-related disorder. Also called: UROD-related condition; UROD-related disorders.

gnomAD v4.1: 4 of 1,611,884 alleles (0.00025%); highest among the groups gnomAD compares: South Asian, 0.0011%; no homozygotes.

Submission:

PreventionGenetics, part of Exact Sciences
Classification: Likely benign for UROD-related condition. Last evaluated: 2026-09-16. Review status: criteria provided, single submitter. Criteria: ACMG Guidelines, 2015. Collection method: clinical testing. Allele origin: germline.
Comment: This variant is classified as likely benign based on ACMG/AMP sequence variant interpretation guidelines (Richards et al. 2015 PMID: 25741868, with internal and published modifications).

NM_000374.5(UROD):c.*67T>G

Gene: UROD (uroporphyrinogen decarboxylase; plus strand). Cytogenetic location: 1p34.1.
Variant type: single nucleotide variant.
Coding change: c.*67T>G on transcript NM_000374.5 (MANE Select); 67 bases downstream of the stop codon, T replaced by G.
Molecular consequence: 3 prime UTR variant. On other transcripts: non-coding transcript variant (3).
Genome position (GRCh38, 1-based): chr1:45,015,565, T>G. VCF-style: chr1-45015565-T-G. GRCh37 (hg19) VCF-style: chr1-45481237-T-G.
Identifiers: ClinVar variation 4982108 (VCV004982108.1).